The following is an entry in ClinVar:

NM_000019.4(ACAT1):c.1163G>C (p.Gly388Ala)

Gene: ACAT1 (acetyl-CoA acetyltransferase 1; plus strand). Cytogenetic location: 11q22.3.
Variant type: single nucleotide variant.
Coding change: c.1163G>C on transcript NM_000019.4 (MANE Select); coding-DNA position 1163, G replaced by C.
Protein change: p.Gly388Ala; replaces glycine 388 with alanine.
Molecular consequence: missense variant. On other transcripts: non-coding transcript variant (2).
Genome position (GRCh38, 1-based): chr11:108,146,359, G>C. VCF-style: chr11-108146359-G-C. GRCh37 (hg19) VCF-style: chr11-108017086-G-C.
Other names: c.1163G>C, p.Gly388Ala (NM_001386677.1); c.848G>C, p.Gly283Ala (NM_001386678.1); c.866G>C, p.Gly289Ala (NM_001386679.1); c.893G>C, p.Gly298Ala (NM_001386681.1, NM_001386682.1, NM_001386685.1 and 6 more transcripts); short protein forms G283A, G289A, G298A, G388A.
Identifiers: ClinVar variation 3238733 (VCV003238733.2), dbSNP rs773491386.

ClinVar aggregate classification (germline): Likely pathogenic (1 of 4 stars; one submission).

Conditions:
Deficiency of acetyl-CoA acetyltransferase. Also called: 3-KETOTHIOLASE DEFICIENCY; 3-OXOTHIOLASE DEFICIENCY; MITOCHONDRIAL ACETOACETYL-CoA THIOLASE DEFICIENCY; Beta-ketothiolase deficiency. Identifiers: Orphanet 134, MedGen C1536500, MONDO:0008760, OMIM 203750. Disease mechanism: loss of function.

Allele frequency attached by ClinVar (database versions not stated): gnomAD exomes below 0.00001; ExAC 0.00001.
gnomAD v4.1: 1 of 1,613,680 alleles (0.000062%); highest among the groups gnomAD compares: East Asian, 0.0022%; no homozygotes.

Submission:

Laboratory of Basic Medicine, Dongfang Hospital of Xiamen University
Classification: Likely pathogenic for Deficiency of acetyl-CoA acetyltransferase. Review status: criteria provided, single submitter. Criteria: ACMG Guidelines, 2015. Collection method: research. Allele origin: germline. Inheritance: Autosomal recessive inheritance. Affected: yes. Observed: 1 compound heterozygote.
Comment: Different missense variants (p.Gly388Glu and p.Gly388Val) in the same codon have been reported in BKD patients (PMID: 28255778, 31156707, 36787440), and p.Gly388Glu has been classified as Likely Pathogenic in clinvar (Variation ID: 666529) (PM5). The REVEL of this variant is 0.962 (PP3). This variant has been observed at a frequency of 0.000398% (1/251266 alleles, 0 homozygotes) in gnomAD v2.1.1 (PM2_Supporting).

Literature cited by the submitters: PubMed 28255778; PubMed 31156707; PubMed 36787440.